The following is an entry in ClinVar:

ClinVar aggregate classification (germline): Uncertain significance (1 of 4 stars; one submission).

Conditions:
FG syndrome (FGS). Identifiers: MedGen C0220769, MONDO:0002010.

gnomAD v4.1: 5 of 1,202,127 alleles (0.00042%); highest among the groups gnomAD compares: Non-Finnish European, 0.00056%; no homozygotes.

Submission:

Labcorp Genetics (formerly Invitae), Labcorp
Classification: Uncertain significance for FG syndrome. Last evaluated: 2023-06-09. Review status: criteria provided, single submitter. Criteria: Invitae Variant Classification Sherloc (09022015). Collection method: clinical testing. Allele origin: germline.
Comment: Advanced modeling of protein sequence and biophysical properties (such as structural, functional, and spatial information, amino acid conservation, physicochemical variation, residue mobility, and thermodynamic stability) has been performed at Invitae for this missense variant, however the output from this modeling did not meet the statistical confidence thresholds required to predict the impact of this variant on MED12 protein function. In summary, the available evidence is currently insufficient to determine the role of this variant in disease. Therefore, it has been classified as a Variant of Uncertain Significance. This variant has not been reported in the literature in individuals affected with MED12-related conditions. This variant is not present in population databases (gnomAD no frequency). This sequence change replaces proline, which is neutral and non-polar, with alanine, which is neutral and non-polar, at codon 1754 of the MED12 protein (p.Pro1754Ala).

NM_005120.3(MED12):c.5260C>G (p.Pro1754Ala)

Gene: MED12 (mediator complex subunit 12; plus strand). Cytogenetic location: Xq13.1.
Variant type: single nucleotide variant.
Coding change: c.5260C>G on transcript NM_005120.3 (MANE Select); coding-DNA position 5260, C replaced by G.
Protein change: p.Pro1754Ala; replaces proline 1754 with alanine.
Molecular consequence: missense variant.
Genome position (GRCh38, 1-based): chrX:71,136,515, C>G. VCF-style: chrX-71136515-C-G. GRCh37 (hg19) VCF-style: chrX-70356365-C-G.
Other names: short protein forms P1754A.
Identifiers: ClinVar variation 2829610 (VCV002829610.3), dbSNP rs1428158800, ClinGen allele CA413534653.
Genomic context (GRCh38, chrX:71,136,515, plus strand): 5'-CCCCGCGCCTATTACCTGGAGCCACTGCCACTGCCCCCAGAAGATGAGGAGCCGCCTGCT[C>G]CTACCCTGCTAGAGCCTGAGAAAAAGGCTCCAGAGCCCCCCAAAACTGACAAACCGGGGG-3'
Protein context (NP_005111.2, residues 1744-1764): LPPEDEEPPA[Pro1754Ala]TLLEPEKKAP